The following is an entry in ClinVar:

NM_014159.7(SETD2):c.2468G>A (p.Ser823Asn)

Gene: SETD2 (SET domain containing 2, histone lysine methyltransferase; minus strand). Cytogenetic location: 3p21.31.
Variant type: single nucleotide variant.
Coding change: c.2468G>A on transcript NM_014159.7 (MANE Select); coding-DNA position 2468, G replaced by A.
Protein change: p.Ser823Asn; replaces serine 823 with asparagine.
Molecular consequence: missense variant. On other transcripts: non-coding transcript variant (1).
Genome position (GRCh38, 1-based): chr3:47,122,168, C>T on the plus strand (G>A on the coding strand, the complement: SETD2 is on the minus strand). VCF-style: chr3-47122168-C-T. GRCh37 (hg19) VCF-style: chr3-47163658-C-T.
Other names: c.2336G>A, p.Ser779Asn (NM_001349370.3); short protein forms S779N, S823N.
Identifiers: ClinVar variation 3707573 (VCV003707573.2).

ClinVar aggregate classification (germline): Uncertain significance (1 of 4 stars; one submission).

Conditions:
Luscan-Lumish syndrome. Identifiers: Orphanet 597738, MedGen C4085873, MONDO:0014791, OMIM 616831.

gnomAD v4.1: 3 of 1,613,814 alleles (0.00019%); highest among the groups gnomAD compares: Non-Finnish European, 0.00025%; no homozygotes.

Submission:

Labcorp Genetics (formerly Invitae), Labcorp
Classification: Uncertain significance for Luscan-Lumish syndrome. Last evaluated: 2024-07-27. Review status: criteria provided, single submitter. Criteria: Invitae Variant Classification Sherloc (09022015). Collection method: clinical testing. Allele origin: germline.
Comment: This sequence change replaces serine, which is neutral and polar, with asparagine, which is neutral and polar, at codon 823 of the SETD2 protein (p.Ser823Asn). This variant is not present in population databases (gnomAD no frequency). This variant has not been reported in the literature in individuals affected with SETD2-related conditions. Advanced modeling of protein sequence and biophysical properties (such as structural, functional, and spatial information, amino acid conservation, physicochemical variation, residue mobility, and thermodynamic stability) performed at Invitae indicates that this missense variant is not expected to disrupt SETD2 protein function with a negative predictive value of 80%. In summary, the available evidence is currently insufficient to determine the role of this variant in disease. Therefore, it has been classified as a Variant of Uncertain Significance.